The following is an entry in ClinVar:

ClinVar aggregate classification (germline): Uncertain significance (1 of 4 stars; one submission).

Submission:

Labcorp Genetics (formerly Invitae), Labcorp
Classification: Uncertain significance. Last evaluated: 2025-12-20. Review status: criteria provided, single submitter. Criteria: Invitae Variant Classification Sherloc (09022015). Collection method: clinical testing. Allele origin: germline.
Comment: This sequence change replaces arginine, which is basic and polar, with proline, which is neutral and non-polar, at codon 37 of the DIAPH3 protein (p.Arg37Pro). This variant is not present in population databases (gnomAD no frequency). This variant has not been reported in the literature in individuals affected with DIAPH3-related conditions. An algorithm developed to predict the effect of missense changes on protein structure and function (PolyPhen-2) suggests that this variant is likely to be tolerated. In summary, the available evidence is currently insufficient to determine the role of this variant in disease. Therefore, it has been classified as a Variant of Uncertain Significance.

NM_001042517.2(DIAPH3):c.110G>C (p.Arg37Pro)

Gene: DIAPH3 (diaphanous related formin 3; minus strand). Cytogenetic location: 13q21.2.
Variant type: single nucleotide variant.
Coding change: c.110G>C on transcript NM_001042517.2 (MANE Select); coding-DNA position 110, G replaced by C.
Protein change: p.Arg37Pro; replaces arginine 37 with proline.
Molecular consequence: missense variant.
Genome position (GRCh38, 1-based): chr13:60,163,657, C>G on the plus strand (G>C on the coding strand, the complement: DIAPH3 is on the minus strand). VCF-style: chr13-60163657-C-G. GRCh37 (hg19) VCF-style: chr13-60737791-C-G.
Other names: c.110G>C, p.Arg37Pro (NM_001258366.2, NM_001258367.2, NM_001258368.2 and 1 more transcripts); short protein forms R37P.
Identifiers: ClinVar variation 4762872 (VCV004762872.1).